The following is an entry in ClinVar:

ClinVar aggregate classification (germline): Uncertain significance. Review status: criteria provided, multiple submitters, no conflicts (2 of 4 stars). 3 submissions from 3 submitters: Uncertain significance (3). Last evaluated 2025-11-18.

Conditions:
Hereditary cancer-predisposing syndrome. Also called: Hereditary neoplastic syndrome; Tumor predisposition; Hereditary Cancer Syndrome; Neoplastic Syndromes, Hereditary. Identifiers: Orphanet 140162, MedGen C0027672, MeSH D009386, MONDO:0015356.
Ataxia-telangiectasia syndrome (AT). Also called: Cerebello-oculocutaneous telangiectasia; Immunodeficiency with ataxia telangiectasia; Ataxia telangiectasia (A-T); Ataxia-telangiectasia, complementation group E; LOUIS-BAR SYNDROME; Ataxia-telangiectasia. Identifiers: Orphanet 100, MedGen C0004135, MONDO:0008840, OMIM 208900.

Submissions (3):

Labcorp Genetics (formerly Invitae), Labcorp
Classification: Uncertain significance for Ataxia-telangiectasia syndrome. Last evaluated: 2025-11-18. Review status: criteria provided, single submitter. Criteria: Invitae Variant Classification Sherloc (09022015). Collection method: clinical testing. Allele origin: germline.
Comment: This sequence change replaces arginine, which is basic and polar, with glycine, which is neutral and non-polar, at codon 772 of the ATM protein (p.Arg772Gly). This variant is not present in population databases (gnomAD no frequency). This variant has not been reported in the literature in individuals affected with ATM-related conditions. ClinVar contains an entry for this variant (Variation ID: 579611). Invitae Evidence Modeling of protein sequence and biophysical properties (such as structural, functional, and spatial information, amino acid conservation, physicochemical variation, residue mobility, and thermodynamic stability) indicates that this missense variant is not expected to disrupt ATM protein function with a negative predictive value of 95%. In summary, the available evidence is currently insufficient to determine the role of this variant in disease. Therefore, it has been classified as a Variant of Uncertain Significance.

Ambry Genetics
Classification: Uncertain significance for Hereditary cancer-predisposing syndrome. Last evaluated: 2024-06-10. Review status: criteria provided, single submitter. Criteria: Ambry Variant Classification Scheme 2023. Collection method: clinical testing. Allele origin: germline.
Comment: The p.R772G variant (also known as c.2314A>G), located in coding exon 14 of the ATM gene, results from an A to G substitution at nucleotide position 2314. The arginine at codon 772 is replaced by glycine, an amino acid with dissimilar properties. This amino acid position is not well conserved in available vertebrate species. In addition, the in silico prediction for this alteration is inconclusive. Based on the available evidence, the clinical significance of this variant remains unclear.

Color Diagnostics, LLC DBA Color Health
Classification: Uncertain significance for Hereditary cancer-predisposing syndrome. Last evaluated: 2020-08-04. Review status: criteria provided, single submitter. Criteria: ACMG Guidelines, 2015. Collection method: clinical testing. Allele origin: germline.
Comment: This missense variant replaces arginine with glycine at codon 772 of the ATM protein. Computational prediction suggests that this variant may not impact protein structure and function (internally defined REVEL score threshold <= 0.5, PMID: 27666373). To our knowledge, functional studies have not been reported for this variant. This variant has not been reported in individuals affected with hereditary cancer in the literature. This variant has not been identified in the general population by the Genome Aggregation Database (gnomAD). The available evidence is insufficient to determine the role of this variant in disease conclusively. Therefore, this variant is classified as a Variant of Uncertain Significance.

NM_000051.4(ATM):c.2314A>G (p.Arg772Gly)

Gene: ATM (ATM serine/threonine kinase; plus strand). Cytogenetic location: 11q22.3.
Variant type: single nucleotide variant.
Coding change: c.2314A>G on transcript NM_000051.4 (MANE Select); coding-DNA position 2314, A replaced by G.
Protein change: p.Arg772Gly; replaces arginine 772 with glycine.
Molecular consequence: missense variant.
Genome position (GRCh38, 1-based): chr11:108,257,544, A>G. VCF-style: chr11-108257544-A-G. GRCh37 (hg19) VCF-style: chr11-108128271-A-G.
Other names: c.2314A>G, p.Arg772Gly (NM_001351834.2); short protein forms R772G.
Identifiers: ClinVar variation 579611 (VCV000579611.15), dbSNP rs1565397219, ClinGen allele CA382539900.